The following is an entry in ClinVar:

ClinVar aggregate classification (germline): Benign. Review status: criteria provided, multiple submitters, no conflicts (2 of 4 stars). 12 submissions from 12 submitters: Benign (9). 3 of the submissions do not count toward it. Last evaluated 2026-09-21.

Conditions:
Frontometaphyseal dysplasia (FMD1). Identifiers: Orphanet 1826, MedGen C0265293, MONDO:0015942.
Heterotopia, periventricular, X-linked dominant (PVNH1). Also called: X-linked periventricular heterotopia; PERIVENTRICULAR NODULAR HETEROTOPIA 1; PERIVENTRICULAR NODULAR HETEROTOPIA 4; HETEROTOPIA, PERIVENTRICULAR, 1. Identifiers: Orphanet 2149, Orphanet 82004, MedGen C1848213, MONDO:0010233, OMIM 300049.
Oto-palato-digital syndrome, type II (OPD2). Also called: FACIOPALATOOSSEOUS SYNDROME; OPD II SYNDROME; Otopalatodigital Syndrome Type 2 (FLNA-OPD2); Otopalatodigital Syndrome, Type II. Identifiers: Orphanet 669, Orphanet 90652, MedGen C1844696, MONDO:0010571, OMIM 304120.
Melnick-Needles syndrome (MNS). Also called: MELNICK-NEEDLES OSTEODYSPLASTY; OSTEODYSPLASTY OF MELNICK AND NEEDLES; Melnick-Needles Syndrome (FLNA-MNS). Identifiers: Orphanet 2484, MedGen C0025237, MONDO:0010650, OMIM 309350.
Familial thoracic aortic aneurysm and aortic dissection (TAAD). Also called: Thoracic aortic aneurysms and dissections. Identifiers: Orphanet 91387, MedGen C4707243, MONDO:0019625.

Allele frequency attached by ClinVar (database versions not stated): gnomAD 0.01899 and 0.02044; ExAC 0.00623; TOPMed 0.02174; 1000 Genomes Project 0.02305; 1000 Genomes Project 30x 0.02456; gnomAD exomes 0.00198 and 0.00517; ESP Exome Variant Server 0.01935.
gnomAD v4.1: 4,446 of 1,209,797 alleles (0.37%); highest among the groups gnomAD compares: African/African-American, 6.4%; 103 homozygotes.

Submissions (12):

Molecular Diagnostic Laboratory for Inherited Cardiovascular Disease, Montreal Heart Institute
Classification: Benign. Last evaluated: 2026-09-21. Review status: criteria provided, single submitter. Criteria: ACMG Guidelines, 2015. Collection method: clinical testing. Allele origin: germline. Affected: no.

Labcorp Genetics (formerly Invitae), Labcorp
Classification: Benign for Oto-palato-digital syndrome, type II; Heterotopia, periventricular, X-linked dominant; Frontometaphyseal dysplasia; Melnick-Needles syndrome. Last evaluated: 2026-02-04. Review status: criteria provided, single submitter. Criteria: Invitae Variant Classification Sherloc (09022015). Collection method: clinical testing. Allele origin: germline.

ARUP Laboratories, Molecular Genetics and Genomics, ARUP Laboratories
Classification: Benign. Last evaluated: 2025-07-14. Review status: criteria provided, single submitter. Criteria: ARUP Molecular Germline Variant Investigation Process 2024. Collection method: clinical testing. Allele origin: germline.

Athena Diagnostics
Classification: Benign. Last evaluated: 2025-01-03. Review status: criteria provided, single submitter. Criteria: Athena Diagnostics Criteria. Collection method: clinical testing. Allele origin: unknown.
Comment: The frequency of this variant in the general population is higher than would generally be expected for pathogenic variants in this gene.

Mayo Clinic Laboratories, Mayo Clinic
Classification: Benign. Last evaluated: 2023-12-17. Review status: criteria provided, single submitter. Criteria: ACMG Guidelines, 2015. Collection method: clinical testing. Allele origin: germline. Observed: 61 variant alleles.

Women's Health and Genetics/Laboratory Corporation of America, LabCorp
Classification: Benign. Last evaluated: 2023-07-21. Review status: criteria provided, single submitter. Criteria: LabCorp Variant Classification Summary - May 2015. Collection method: clinical testing. Allele origin: germline.

Ambry Genetics
Classification: Benign for Familial thoracic aortic aneurysm and aortic dissection. Last evaluated: 2015-03-26. Review status: criteria provided, single submitter. Criteria: Ambry Variant Classification Scheme 2023. Collection method: clinical testing. Allele origin: germline.

GeneDx
Classification: Benign. Last evaluated: 2014-05-17. Review status: criteria provided, single submitter. Criteria: GeneDx Variant Classification (06012015). Collection method: clinical testing. Allele origin: germline. Affected: yes.
Comment: This variant is considered likely benign or benign based on one or more of the following criteria: it is a conservative change, it occurs at a poorly conserved position in the protein, it is predicted to be benign by multiple in silico algorithms, and/or has population frequency not consistent with disease.

Breakthrough Genomics
Classification: Benign. Review status: criteria provided, single submitter. Criteria: ACMG Guidelines, 2015. Collection method: not provided. Allele origin: germline. Inheritance: X-linked inheritance. Affected: yes.

Clinical Genetics DNA and cytogenetics Diagnostics Lab, Erasmus MC, Erasmus Medical Center
Classification: Benign. Review status: no assertion criteria provided. Collection method: clinical testing. Allele origin: germline. Affected: yes. Study: VKGL Data-share Consensus. Not counted in ClinVar's aggregate classification.

Genetic Services Laboratory, University of Chicago
Classification: Likely benign for AllHighlyPenetrant. Review status: no assertion criteria provided. Collection method: clinical testing. Allele origin: germline. Inheritance: X-linked inheritance. Not counted in ClinVar's aggregate classification.
Comment: Likely benign based on allele frequency in 1000 Genomes Project or ESP global frequency and its presence in a patient with a rare or unrelated disease phenotype. NOT Sanger confirmed.

Genome Diagnostics Laboratory, Amsterdam University Medical Center
Classification: Benign. Review status: no assertion criteria provided. Collection method: clinical testing. Allele origin: germline. Affected: yes. Study: VKGL Data-share Consensus. Not counted in ClinVar's aggregate classification.

NM_001110556.2(FLNA):c.3270C>T (p.Ile1090=)

Gene: FLNA (filamin A; minus strand). Cytogenetic location: Xq28.
Variant type: single nucleotide variant.
Coding change: c.3270C>T on transcript NM_001110556.2 (MANE Select); coding-DNA position 3270, C replaced by T.
Protein change: p.Ile1090=; no amino-acid change (isoleucine 1090 retained).
Molecular consequence: synonymous variant.
Genome position (GRCh38, 1-based): chrX:154,360,525, G>A on the plus strand (C>T on the coding strand, the complement: FLNA is on the minus strand). VCF-style: chrX-154360525-G-A. GRCh37 (hg19) VCF-style: chrX-153588893-G-A.
Other names: p.I1090I:ATC>ATT; p.Ile1090=; c.3270C>T, p.Ile1090= (NM_001456.4); c.3270C>T (NM_001110556.1).
Identifiers: ClinVar variation 129071 (VCV000129071.40), dbSNP rs79391751, ClinGen allele CA288858.